The following is an entry in ClinVar:

NM_001039141.3(TRIOBP):c.704G>A (p.Arg235Gln)

Gene: TRIOBP (TRIO and F-actin binding protein; plus strand). Cytogenetic location: 22q13.1.
Variant type: single nucleotide variant.
Coding change: c.704G>A on transcript NM_001039141.3 (MANE Select); coding-DNA position 704, G replaced by A.
Protein change: p.Arg235Gln; replaces arginine 235 with glutamine.
Molecular consequence: missense variant.
Genome position (GRCh38, 1-based): chr22:37,723,260, G>A. VCF-style: chr22-37723260-G-A. GRCh37 (hg19) VCF-style: chr22-38119267-G-A.
Other names: short protein forms R235Q.
Identifiers: ClinVar variation 1992054 (VCV001992054.4), dbSNP rs375017496, ClinGen allele CA10223436.

ClinVar aggregate classification (germline): Uncertain significance (1 of 4 stars; one submission).

Allele frequency attached by ClinVar (database versions not stated): gnomAD 0.00001; TOPMed 0.00002; ExAC 0.00004; ESP Exome Variant Server 0.00008.
gnomAD v4.1: 52 of 1,613,904 alleles (0.0032%); highest among the groups gnomAD compares: South Asian, 0.026%; no homozygotes.

Submission:

Labcorp Genetics (formerly Invitae), Labcorp
Classification: Uncertain significance. Last evaluated: 2022-08-16. Review status: criteria provided, single submitter. Criteria: Invitae Variant Classification Sherloc (09022015). Collection method: clinical testing. Allele origin: germline.
Comment: This sequence change replaces arginine, which is basic and polar, with glutamine, which is neutral and polar, at codon 235 of the TRIOBP protein (p.Arg235Gln). Algorithms developed to predict the effect of missense changes on protein structure and function output the following: SIFT: "Deleterious"; PolyPhen-2: "Benign"; Align-GVGD: "Class C0". The glutamine amino acid residue is found in multiple mammalian species, which suggests that this missense change does not adversely affect protein function. In summary, the available evidence is currently insufficient to determine the role of this variant in disease. Therefore, it has been classified as a Variant of Uncertain Significance. Algorithms developed to predict the effect of sequence changes on RNA splicing suggest that this variant may create or strengthen a splice site. This variant has not been reported in the literature in individuals affected with TRIOBP-related conditions. This variant is present in population databases (rs375017496, gnomAD 0.03%).